The following is an entry in ClinVar:

NM_001103.4(ACTN2):c.1040C>T (p.Thr347Met)

Gene: ACTN2 (actinin alpha 2; plus strand). Cytogenetic location: 1q43.
Variant type: single nucleotide variant.
Coding change: c.1040C>T on transcript NM_001103.4 (MANE Select); coding-DNA position 1040, C replaced by T.
Protein change: p.Thr347Met; replaces threonine 347 with methionine.
Molecular consequence: missense variant.
Genome position (GRCh38, 1-based): chr1:236,739,465, C>T. VCF-style: chr1-236739465-C-T. GRCh37 (hg19) VCF-style: chr1-236902765-C-T.
Other names: c.1040C>T, p.Thr347Met (NM_001278343.2); c.416C>T, p.Thr139Met (NM_001278344.2); short protein forms T347M, T139M.
Identifiers: ClinVar variation 178985 (VCV000178985.33), dbSNP rs727504590, ClinGen allele CA183434.
Genomic context (GRCh38, chr1:236,739,465, plus strand): 5'-GCCGGAAGCACAAGCCACCCAAGGTGCAGGAGAAATGCCAGCTGGAGATCAACTTCAACA[C>T]GCTGCAGACCAAGCTGCGGATCAGCAACCGTCCTGCCTTCATGCCCTCCGAGGGCAAGAT-3'
Protein context (NP_001094.1, residues 337-357): EKCQLEINFN[Thr347Met]LQTKLRISNR

ClinVar aggregate classification (germline): Conflicting classifications of pathogenicity. Review status: criteria provided, conflicting classifications (1 of 4 stars). 13 submissions from 12 submitters: Uncertain significance (6); Likely benign (6). 1 of the submissions does not count toward it. Last evaluated 2026-04-07.

Conditions:
ACTN2-related disorder. Also called: ACTN2 related condition; ACTN2-related disorders.
Syncope. Also called: fainting. Identifiers: MedGen C0039070, HP:0001279.
Hypertrophic cardiomyopathy. Also called: HYPERTROPHIC MYOCARDIOPATHY. Identifiers: Orphanet 217569, MedGen C0007194, MeSH D002312, MONDO:0005045, HP:0001639.
Primary familial hypertrophic cardiomyopathy (HCM). Identifiers: Orphanet 99739, MedGen C0949658, MeSH D024741, MONDO:0024573. Inheritance: Various modes of inheritance.
Dilated cardiomyopathy 1AA (CMD1AA). Also called: Cardiomyopathy, dilated, 1AA, with or without LVNC; CARDIOMYOPATHY, DILATED, 1AA, WITH OR WITHOUT LEFT VENTRICULAR NONCOMPACTION; CARDIOMYOPATHY, FAMILIAL HYPERTROPHIC, 23, WITH OR WITHOUT LEFT VENTRICULAR NONCOMPACTION. Identifiers: Orphanet 154, MedGen C2677338, MONDO:0012808, OMIM 612158.
Cardiovascular phenotype. Identifiers: MedGen CN230736.
Cardiomyopathy (CMYO). Also called: Cardiomyopathies. Identifiers: Orphanet 167848, MedGen C0878544, MONDO:0004994, HP:0001638. Inheritance: Various modes of inheritance.

Allele frequency attached by ClinVar (database versions not stated): gnomAD 0.00013; gnomAD exomes 0.00014; ExAC 0.00015; TOPMed 0.00016.
gnomAD v4.1: 148 of 1,614,200 alleles (0.0092%); highest among the groups gnomAD compares: East Asian, 0.19%; no homozygotes.

Submissions (13):

PreventionGenetics, part of Exact Sciences
Classification: Likely benign for ACTN2-related condition. Last evaluated: 2026-04-07. Review status: criteria provided, single submitter. Criteria: ACMG Guidelines, 2015. Collection method: clinical testing. Allele origin: germline.
Comment: This variant is classified as likely benign based on ACMG/AMP sequence variant interpretation guidelines (Richards et al. 2015 PMID: 25741868, with internal and published modifications).

Labcorp Genetics (formerly Invitae), Labcorp
Classification: Likely benign for Primary familial hypertrophic cardiomyopathy; Dilated cardiomyopathy 1AA. Last evaluated: 2026-01-19. Review status: criteria provided, single submitter. Criteria: Invitae Variant Classification Sherloc (09022015). Collection method: clinical testing. Allele origin: germline.

GeneDx
Classification: Uncertain significance. Last evaluated: 2025-11-11. Review status: criteria provided, single submitter. Criteria: GeneDx Variant Classification Process June 2021. Collection method: clinical testing. Allele origin: germline. Affected: yes.
Comment: In silico analysis supports that this missense variant has a deleterious effect on protein structure/function; This variant is associated with the following publications: (PMID: 33658040, 26899768)

Molecular Diagnostic Laboratory for Inherited Cardiovascular Disease, Montreal Heart Institute
Classification: Likely benign. Last evaluated: 2025-04-09. Review status: criteria provided, single submitter. Criteria: ACMG Guidelines, 2015. Collection method: clinical testing. Allele origin: germline. Affected: no.
Comment: PP3, BS1, BP5

Women's Health and Genetics/Laboratory Corporation of America, LabCorp
Classification: Likely benign. Last evaluated: 2020-11-16. Review status: criteria provided, single submitter. Criteria: LabCorp Variant Classification Summary - May 2015. Collection method: clinical testing. Allele origin: germline.
Comment: Variant summary: ACTN2 c.1040C>T (p.Thr347Met) results in a non-conservative amino acid change in the encoded protein sequence. Four of five in-silico tools predict a damaging effect of the variant on protein function. The variant allele was found at a frequency of 0.00014 in 251460 control chromosomes, predominantly at a frequency of 0.00098 within the East Asian subpopulation in the gnomAD database. The observed variant frequency within East Asian control individuals in the gnomAD database is approximately 39-fold the estimated maximal expected allele frequency for a pathogenic variant in ACTN2 causing Cardiomyopathy phenotype (2.5e-05), strongly suggesting that the variant is a benign polymorphism found primarily in populations of East Asian origin. c.1040C>T has been reported in the literature in individuals affected with Cardiomyopathy (e.g. Nunn_2016, Cuenca_2016). These reports do not provide unequivocal conclusions about association of the variant with Cardiomyopathy. To our knowledge, no experimental evidence demonstrating an impact on protein function has been reported. Four other ClinVar submitters (evaluation after 2014) reported the variant with conflicting assessments (likely benign, n=2; uncertain significance, n=2). Based on the evidence outlined above, the variant was classified as likely benign.

Ambry Genetics
Classification: Likely benign for Cardiovascular phenotype. Last evaluated: 2019-11-12. Review status: criteria provided, single submitter. Criteria: Ambry Variant Classification Scheme 2023. Collection method: clinical testing. Allele origin: germline.

Mayo Clinic Laboratories, Mayo Clinic
Classification: Uncertain significance. Last evaluated: 2019-07-08. Review status: criteria provided, single submitter. Criteria: ACMG Guidelines, 2015. Collection method: clinical testing. Allele origin: germline. Observed: 1 variant allele.

Center for Advanced Laboratory Medicine, UC San Diego Health, University of California San Diego
Classification: Likely benign for Cardiomyopathy. Last evaluated: 2019-01-31. Review status: criteria provided, single submitter. Criteria: ACMG Guidelines, 2015. Collection method: clinical testing. Allele origin: germline. Affected: yes. Observed: 1 variant allele.

Centre for Mendelian Genomics, University Medical Centre Ljubljana
Classification: Uncertain significance for Dilated cardiomyopathy 1AA. Last evaluated: 2016-01-01. Review status: criteria provided, single submitter. Criteria: ACMG Guidelines, 2015. Collection method: clinical testing. Allele origin: unknown. Affected: yes.
Comment: This variant was classified as: Uncertain significance.

Centre for Mendelian Genomics, University Medical Centre Ljubljana
Classification: Uncertain significance for Hypertrophic cardiomyopathy; Syncope. Last evaluated: 2015-10-29. Review status: criteria provided, single submitter. Criteria: ACMG Guidelines, 2015. Collection method: clinical testing. Allele origin: unknown. Affected: yes.

Laboratory for Molecular Medicine, Mass General Brigham Personalized Medicine
Classification: Uncertain significance. Last evaluated: 2013-07-18. Review status: criteria provided, single submitter. Criteria: LMM Criteria. Collection method: clinical testing. Allele origin: germline. Observed: 1 variant allele.
Comment: The Thr347Met variant in ACTN2 has not been reported in individuals with cardiom yopathy or in large population studies. Computational analyses (biochemical amin o acid properties, conservation, AlignGVGD, PolyPhen2, and SIFT) suggest that th e Thr347Met variant may impact the protein, though this information is not predi ctive enough to determine pathogenicity. Additional information is needed to ful ly assess the clinical significance of this variant.

Biesecker Lab/Clinical Genomics Section, National Institutes of Health
Classification: Uncertain significance. Last evaluated: 2013-06-24. Review status: criteria provided, single submitter. Criteria: Ng et al. (Circ Cardiovasc Genet. 2013). Collection method: research. Allele origin: unknown. Observed: 1 variant allele. Study: ClinSeq.
Comment: The study set was not selected for affection status in relation to any cancer. Pathogenicity categories were based on literature curation. See Pubmed ID:23861362 for details.

Medical sequencing

Zaffran Lab, Genetics of Cardiac Diseases Laboratory, Marseille Medical Genetics
Classification: Uncertain significance for hypertrophic cardiomyopathy. Review status: no assertion criteria provided. Collection method: research. Allele origin: unknown. Affected: yes. Not counted in ClinVar's aggregate classification.

Literature cited by the submitters: PubMed 26498160 (cited by Women's Health and Genetics/Laboratory Corporation of America, LabCorp); PubMed 26899768 (cited by Women's Health and Genetics/Laboratory Corporation of America, LabCorp and Ambry Genetics); PubMed 30959811 (cited by Women's Health and Genetics/Laboratory Corporation of America, LabCorp and Ambry Genetics).